The following is an entry in ClinVar:

NM_000287.4(PEX6):c.1586C>T (p.Thr529Ile)

Gene: PEX6 (peroxisomal biogenesis factor 6; minus strand). Cytogenetic location: 6p21.1.
Variant type: single nucleotide variant.
Coding change: c.1586C>T on transcript NM_000287.4 (MANE Select); coding-DNA position 1586, C replaced by T.
Protein change: p.Thr529Ile; replaces threonine 529 with isoleucine.
Molecular consequence: missense variant. On other transcripts: non-coding transcript variant (1).
Genome position (GRCh38, 1-based): chr6:42,968,392, G>A on the plus strand (C>T on the coding strand, the complement: PEX6 is on the minus strand). VCF-style: chr6-42968392-G-A. GRCh37 (hg19) VCF-style: chr6-42936130-G-A.
Other names: c.1322C>T, p.Thr441Ile (NM_001316313.2); short protein forms T529I, T441I.
Identifiers: ClinVar variation 1493690 (VCV001493690.4), dbSNP rs771639281, ClinGen allele CA3811284.

ClinVar aggregate classification (germline): Uncertain significance. Review status: criteria provided, multiple submitters, no conflicts (2 of 4 stars). 2 submissions from 2 submitters: Uncertain significance (2). Last evaluated 2021-12-04.

Conditions:
Peroxisome biogenesis disorder. Identifiers: Orphanet 79189, MedGen C1832200, MONDO:0019234. Disease mechanism: loss of function.

Allele frequency attached by ClinVar (database versions not stated): gnomAD exomes below 0.00001; ExAC 0.00001.
gnomAD v4.1: 2 of 1,614,128 alleles (0.00012%); highest among the groups gnomAD compares: Non-Finnish European, 0.00017%; no homozygotes.

Submissions (2):

Labcorp Genetics (formerly Invitae), Labcorp
Classification: Uncertain significance for Peroxisome biogenesis disorder. Last evaluated: 2021-12-04. Review status: criteria provided, single submitter. Criteria: Invitae Variant Classification Sherloc (09022015). Collection method: clinical testing. Allele origin: germline.
Comment: This sequence change replaces threonine, which is neutral and polar, with isoleucine, which is neutral and non-polar, at codon 529 of the PEX6 protein (p.Thr529Ile). This variant is present in population databases (rs771639281, gnomAD 0.0009%). This variant has not been reported in the literature in individuals affected with PEX6-related conditions. Algorithms developed to predict the effect of missense changes on protein structure and function are either unavailable or do not agree on the potential impact of this missense change (SIFT: "Tolerated"; PolyPhen-2: "Possibly Damaging"; Align-GVGD: "Class C0"). In summary, the available evidence is currently insufficient to determine the role of this variant in disease. Therefore, it has been classified as a Variant of Uncertain Significance.

Blueprint Genetics
Classification: Uncertain significance. Last evaluated: 2020-09-23. Review status: criteria provided, single submitter. Criteria: ACMG Guidelines, 2015. Collection method: clinical testing. Allele origin: germline.